The following is an entry in ClinVar:

ClinVar aggregate classification (germline): Pathogenic (1 of 4 stars; one submission).

Submission:

Labcorp Genetics (formerly Invitae), Labcorp
Classification: Pathogenic. Last evaluated: 2023-03-03. Review status: criteria provided, single submitter. Criteria: Invitae Variant Classification Sherloc (09022015). Collection method: clinical testing. Allele origin: germline.
Comment: This variant has not been reported in the literature in individuals affected with TSHR-related conditions. This sequence change creates a premature translational stop signal (p.Gln374*) in the TSHR gene. While this is not anticipated to result in nonsense mediated decay, it is expected to disrupt the last 391 amino acid(s) of the TSHR protein. This variant is not present in population databases (gnomAD no frequency). This variant disrupts a region of the TSHR protein in which other variant(s) (p.Trp546*) have been determined to be pathogenic (PMID: 8954020, 9100579, 12629076, 14725684). This suggests that this is a clinically significant region of the protein, and that variants that disrupt it are likely to be disease-causing. For these reasons, this variant has been classified as Pathogenic.

Literature cited by the submitters: PubMed 8954020; PubMed 9100579; PubMed 12629076; PubMed 14725684.

NM_000369.5(TSHR):c.1120C>T (p.Gln374Ter)

Genes: TSHR (thyroid stimulating hormone receptor; plus strand), TSHR-AS1 (TSHR antisense RNA 1; minus strand). Cytogenetic location: 14q31.1.
Variant type: single nucleotide variant.
Coding change: c.1120C>T on transcript NM_000369.5 (MANE Select); coding-DNA position 1120, C replaced by T.
Protein change: p.Gln374Ter; replaces glutamine 374 with a stop codon.
Molecular consequence: nonsense.
Genome position (GRCh38, 1-based): chr14:81,143,178, C>T. VCF-style: chr14-81143178-C-T. GRCh37 (hg19) VCF-style: chr14-81609522-C-T.
Other names: short protein forms Q374*.
Identifiers: ClinVar variation 2842687 (VCV002842687.3), dbSNP rs2503938650, ClinGen allele CA390726714.
Genomic context (GRCh38, chr14:81,143,178, plus strand): 5'-GTCTTCTTTGAAGAACAAGAGGATGAGATCATTGGTTTTGGCCAGGAGCTCAAAAACCCC[C>T]AGGAAGAGACTCTACAAGCTTTTGACAGCCATTATGACTACACCATATGTGGGGACAGTG-3'